The following is an entry in ClinVar:

NM_001042681.2(RERE):c.4349G>T (p.Gly1450Val)

Gene: RERE (arginine-glutamic acid dipeptide repeats; minus strand). Cytogenetic location: 1p36.23.
Variant type: single nucleotide variant.
Coding change: c.4349G>T on transcript NM_001042681.2 (MANE Select); coding-DNA position 4349, G replaced by T.
Protein change: p.Gly1450Val; replaces glycine 1450 with valine.
Molecular consequence: missense variant.
Genome position (GRCh38, 1-based): chr1:8,356,237, C>A on the plus strand (G>T on the coding strand, the complement: RERE is on the minus strand). VCF-style: chr1-8356237-C-A. GRCh37 (hg19) VCF-style: chr1-8416297-C-A.
Other names: c.2687G>T, p.Gly896Val (NM_001042682.2); c.4349G>T, p.Gly1450Val (NM_012102.4); short protein forms G1450V, G896V.
Identifiers: ClinVar variation 1311082 (VCV001311082.2), dbSNP rs1174096486, ClinGen allele CA338168667.
Genomic context (GRCh38, chr1:8,356,237, plus strand): 5'-TAGGGGAAGCGAGCCAGGTGGGGACCGGCAGTCAGGGGGTCGACCAGCGGGTGAACGGGG[C>A]CTGCTGAACCTAAGGAAAGGACAAAACGCCAGATGGAGGCGGTGTGCAGCTCTTCAATGT-3'
Protein context (NP_001036146.1, residues 1440-1460): QQDPLHQGSA[Gly1450Val]PVHPLVDPLT

ClinVar aggregate classification (germline): Uncertain significance (1 of 4 stars; one submission).

Allele frequency attached by ClinVar (database versions not stated): gnomAD exomes below 0.00001; TOPMed below 0.00001; gnomAD 0.00001.
gnomAD v4.1: 2 of 1,522,274 alleles (0.00013%); highest among the groups gnomAD compares: African/African-American, 0.0015%; no homozygotes.

Submission:

GeneDx
Classification: Uncertain significance. Last evaluated: 2019-12-09. Review status: criteria provided, single submitter. Criteria: GeneDx Variant Classification Process June 2021. Collection method: clinical testing. Allele origin: germline. Affected: yes.
Comment: Not observed in large population cohorts (Lek et al., 2016); In silico analysis, which includes protein predictors and evolutionary conservation, supports a deleterious effect; Has not been previously published as pathogenic or benign to our knowledge